The following is an entry in ClinVar:

ClinVar aggregate classification (germline): Likely benign (1 of 4 stars; one submission).

gnomAD v4.1: 1 of 1,613,692 alleles (0.000062%); highest among the groups gnomAD compares: African/African-American, 0.0013%; no homozygotes.

Submission:

Women's Health and Genetics/Laboratory Corporation of America, LabCorp
Classification: Likely benign. Last evaluated: 2026-05-15. Review status: criteria provided, single submitter. Criteria: LabCorp Variant Classification Summary - May 2015. Collection method: clinical testing. Allele origin: germline.
Comment: Variant summary: ASPA c.264T>C alters a conserved nucleotide resulting in a synonymous change. Consensus agreement among computation tools predict no significant impact on normal splicing. However, these predictions have yet to be confirmed by functional studies. The variant was absent in 251054 control chromosomes. The available data on variant occurrences in the general population are insufficient to allow any conclusion about variant significance. To our knowledge, no occurrence of c.264T>C in individuals affected with ASPA-related conditions and no experimental evidence demonstrating its impact on protein function have been reported. No submitters have cited clinical-significance assessments for this variant to ClinVar. Based on the evidence outlined above, the variant was classified as likely benign.

NM_000049.4(ASPA):c.264T>C (p.Tyr88=)

Genes: ASPA (aspartoacylase; plus strand), SPATA22 (spermatogenesis associated 22; minus strand). Cytogenetic location: 17p13.2.
Variant type: single nucleotide variant.
Coding change: c.264T>C on transcript NM_000049.4 (MANE Select); coding-DNA position 264, T replaced by C.
Protein change: p.Tyr88=; no amino-acid change (tyrosine 88 retained).
Molecular consequence: synonymous variant. On other transcripts: intron variant (2).
Genome position (GRCh38, 1-based): chr17:3,481,630, T>C. VCF-style: chr17-3481630-T-C. GRCh37 (hg19) VCF-style: chr17-3384924-T-C.
Other names: c.264T>C, p.Tyr88= (NM_001128085.1); c.-73-12232A>G (NM_001321336.2, NM_001321337.2).
Identifiers: ClinVar variation 4853038 (VCV004853038.1).